The following is an entry in ClinVar:

ClinVar aggregate classification (germline): Likely benign (1 of 4 stars; one submission).

Submission:

CeGaT Center for Human Genetics Tuebingen
Classification: Likely benign. Last evaluated: 2022-09-01. Review status: criteria provided, single submitter. Criteria: CeGaT Center For Human Genetics Tuebingen Variant Classification Criteria Version 2. Collection method: clinical testing. Allele origin: germline. Affected: yes. Observed: 1 variant allele.
Comment: TBC1D3F: BP4; TBC1D3G: BS2

NM_032258.5(TBC1D3F):c.1518C>T (p.Phe506=)

Genes: TBC1D3F (TBC1 domain family member 3F; minus strand), TBC1D3G (TBC1 domain family member 3G). Cytogenetic location: 17q12.
Variant type: single nucleotide variant.
Coding change: c.1518C>T on transcript NM_032258.5; coding-DNA position 1518, C replaced by T.
Protein change: p.Phe506=; no amino-acid change (phenylalanine 506 retained).
Molecular consequence: synonymous variant.
Genome position (GRCh38, 1-based): chr17:36,429,059, G>A on the plus strand (C>T on the coding strand, the complement: TBC1D3F is on the minus strand). VCF-style: chr17-36429059-G-A. GRCh37 (hg19) VCF-style: chr17-34797618-G-A.
Identifiers: ClinVar variation 2647687 (VCV002647687.24), dbSNP rs1351278741, ClinGen allele CA728512972.
Genomic context (GRCh38, chr17:36,429,059, plus strand): 5'-CTGCTGTTCGTCCCTAGCTCTGAAGGGGGTGCCCTGGTCGGAATCAGTGCTGGGTGCAGC[G>A]AAAGCCGATCTCACCCGCTCCGCAGGGTGTTCAGGCCTGCCAGCAGGGGGCCAGCTGGTC-3'